The following is an entry in ClinVar:

ClinVar aggregate classification (germline): Uncertain significance (1 of 4 stars; one submission).

Conditions:
Charcot-Marie-Tooth disease type 2E (CMT2E). Also called: CHARCOT-MARIE-TOOTH DISEASE, AXONAL, TYPE 2E; CHARCOT-MARIE-TOOTH NEUROPATHY, TYPE 2E. Identifiers: Orphanet 99939, MedGen C1843225, MONDO:0011894, OMIM 607684.

Submission:

Labcorp Genetics (formerly Invitae), Labcorp
Classification: Uncertain significance for Charcot-Marie-Tooth disease type 2E. Last evaluated: 2024-10-15. Review status: criteria provided, single submitter. Criteria: Invitae Variant Classification Sherloc (09022015). Collection method: clinical testing. Allele origin: germline.
Comment: This sequence change replaces threonine, which is neutral and polar, with serine, which is neutral and polar, at codon 409 of the NEFL protein (p.Thr409Ser). This variant is not present in population databases (gnomAD no frequency). This variant has not been reported in the literature in individuals affected with NEFL-related conditions. Invitae Evidence Modeling of protein sequence and biophysical properties (such as structural, functional, and spatial information, amino acid conservation, physicochemical variation, residue mobility, and thermodynamic stability) indicates that this missense variant is not expected to disrupt NEFL protein function with a negative predictive value of 80%. In summary, the available evidence is currently insufficient to determine the role of this variant in disease. Therefore, it has been classified as a Variant of Uncertain Significance.

NM_006158.5(NEFL):c.1226C>G (p.Thr409Ser)

Gene: NEFL (neurofilament light chain; minus strand). Cytogenetic location: 8p21.2.
Variant type: single nucleotide variant.
Coding change: c.1226C>G on transcript NM_006158.5 (MANE Select); coding-DNA position 1226, C replaced by G.
Protein change: p.Thr409Ser; replaces threonine 409 with serine.
Molecular consequence: missense variant.
Genome position (GRCh38, 1-based): chr8:24,953,739, G>C on the plus strand (C>G on the coding strand, the complement: NEFL is on the minus strand). VCF-style: chr8-24953739-G-C. GRCh37 (hg19) VCF-style: chr8-24811253-G-C.
Other names: short protein forms T409S.
Identifiers: ClinVar variation 3693688 (VCV003693688.2).